The following is an entry in ClinVar:

ClinVar aggregate classification (germline): Likely benign (0 of 4 stars; one submission).

Conditions:
RP1L1-related disorder. Also called: RP1L1-related condition.

gnomAD v4.1: 526 of 1,614,214 alleles (0.033%); highest among the groups gnomAD compares: Admixed American, 0.86%; 16 homozygotes.

Submission:

PreventionGenetics, part of Exact Sciences
Classification: Likely benign for RP1L1-related condition. Last evaluated: 2024-08-19. Review status: no assertion criteria provided. Collection method: clinical testing. Allele origin: germline.
Comment: This variant is classified as likely benign based on ACMG/AMP sequence variant interpretation guidelines (Richards et al. 2015 PMID: 25741868, with internal and published modifications).

NM_178857.6(RP1L1):c.5418A>G (p.Gln1806=)

Gene: RP1L1 (RP1 like 1). Cytogenetic location: 8p23.1.
Variant type: single nucleotide variant.
Coding change: c.5418A>G on transcript NM_178857.6 (MANE Select); coding-DNA position 5418, A replaced by G.
Protein change: p.Gln1806=; no amino-acid change (glutamine 1806 retained).
Molecular consequence: synonymous variant.
Genome position (GRCh38, 1-based): chr8:10,608,680, T>C on the plus strand (A>G on the coding strand, the complement: RP1L1 is on the minus strand). VCF-style: chr8-10608680-T-C. GRCh37 (hg19) VCF-style: chr8-10466190-T-C.
Identifiers: ClinVar variation 3352907 (VCV003352907.1).